The following is an entry in ClinVar:

ClinVar aggregate classification (germline): Likely benign (1 of 4 stars; one submission).

Submission:

GeneDx
Classification: Likely benign. Last evaluated: 2018-06-14. Review status: criteria provided, single submitter. Criteria: GeneDx Variant Classification (06012015). Collection method: clinical testing. Allele origin: germline. Affected: yes.
Comment: This variant is considered likely benign or benign based on one or more of the following criteria: it is a conservative change, it occurs at a poorly conserved position in the protein, it is predicted to be benign by multiple in silico algorithms, and/or has population frequency not consistent with disease.

NM_001182.5(ALDH7A1):c.1489+116del

Gene: ALDH7A1 (aldehyde dehydrogenase 7 family member A1; minus strand). Cytogenetic location: 5q23.2.
Variant type: Deletion.
Coding change: c.1489+116del on transcript NM_001182.5 (MANE Select); 116 bases into the intron after coding-DNA position 1489, one base deleted (T; older notation c.1489+116delT).
Molecular consequence: intron variant.
Genome position (GRCh38, 1-based): chr5:126,549,813, A deleted on the plus strand (T on the coding strand, the reverse complement: ALDH7A1 is on the minus strand); the first of 2 consecutive A bases (chr5:126,549,813-126,549,814); deleting either gives the same sequence. VCF-style (leftmost placement, unchanged base first): chr5-126549812-TA-T. GRCh37 (hg19) VCF-style: chr5-125885504-TA-T.
Other names: c.1297+116del (NM_001202404.2); c.1405+116del (NM_001201377.2).
Identifiers: ClinVar variation 675889 (VCV000675889.1), dbSNP rs201058790, ClinGen allele CA126885229.